The following is an entry in ClinVar:

NM_000346.4(SOX9):c.1072_1083del (p.Ala358_Gln361del)

Gene: SOX9 (SRY-box transcription factor 9; plus strand). Cytogenetic location: 17q24.3.
Variant type: Deletion.
Coding change: c.1072_1083del on transcript NM_000346.4 (MANE Select); coding-DNA positions 1072 to 1083, 12 bases deleted (GCGCCCCCGCAG).
Protein change: p.Ala358_Gln361del.
Molecular consequence: inframe deletion.
Genome position (GRCh38, 1-based): chr17:72,123,929-72,123,940, GCGCCCCCGCAG deleted; deleting any 12 consecutive bases within chr17:72,123,921-72,123,940 gives the same sequence; the c. name uses the placement nearest the transcript's 3' end. VCF-style (leftmost placement, unchanged base first): chr17-72123920-GCCCCGCAGGCGC-G. GRCh37 (hg19) VCF-style: chr17-70120061-GCCCCGCAGGCGC-G.
Identifiers: ClinVar variation 2277286 (VCV002277286.2), dbSNP rs1567911418, ClinGen allele CA2580095098.

ClinVar aggregate classification (germline): Uncertain significance (1 of 4 stars; one submission).

Conditions:
Inborn genetic diseases. Identifiers: MedGen C0950123, MeSH D030342.

Submission:

Ambry Genetics
Classification: Uncertain significance for Inborn genetic diseases. Last evaluated: 2022-03-03. Review status: criteria provided, single submitter. Criteria: Ambry Variant Classification Scheme 2023. Collection method: clinical testing. Allele origin: germline.
Comment: The c.1072_1083del12 (p.A358_Q361del) alteration is located in exon 3 (coding exon 3) of the SOX9 gene. This alteration consists of an in-frame deletion of 12 nucleotides between nucleotide positions c.1072 and c.1083, resulting in the deletion of <NA> residues. Based on insufficient or conflicting evidence, the clinical significance of this alteration remains unclear.